The following is an entry in ClinVar:

ClinVar aggregate classification (germline): Uncertain significance (1 of 4 stars; one submission).

gnomAD v4.1: 1 of 1,526,966 alleles (0.000065%); highest among the groups gnomAD compares: African/African-American, 0.0014%; no homozygotes.

Submission:

Ambry Genetics
Classification: Uncertain significance. Last evaluated: 2024-12-08. Review status: criteria provided, single submitter. Criteria: Ambry Variant Classification Scheme 2023. Collection method: clinical testing. Allele origin: germline.
Comment: The p.P129L variant (also known as c.386C>T), located in coding exon 1 of the PALLD gene, results from a C to T substitution at nucleotide position 386. The proline at codon 129 is replaced by leucine, an amino acid with similar properties. This amino acid position is conserved. In addition, this alteration is predicted to be tolerated by in silico analysis. Based on the available evidence, the clinical significance of this variant remains unclear.

NM_001166108.2(PALLD):c.1965-12645C>T

Gene: PALLD (palladin, cytoskeletal associated protein; plus strand). Cytogenetic location: 4q32.3.
Variant type: single nucleotide variant.
Coding change: c.1965-12645C>T on transcript NM_001166108.2 (MANE Select); 12645 bases into the intron before coding-DNA position 1965, C replaced by T.
Molecular consequence: intron variant. On other transcripts: missense variant (1).
Genome position (GRCh38, 1-based): chr4:168,878,277, C>T. VCF-style: chr4-168878277-C-T. GRCh37 (hg19) VCF-style: chr4-169799428-C-T.
Other names: c.386C>T, p.Pro129Leu (NM_001166110.2); c.1965-12645C>T (NM_016081.4); c.819-12645C>T (NM_001166109.2); c.-157-12645C>T (NM_001367570.1, NM_001367568.1, NM_001367567.1 and 1 more transcripts); short protein forms P129L.
Identifiers: ClinVar variation 3413723 (VCV003413723.1).